The following is an entry in ClinVar:

NM_001243279.3(ACSF3):c.1367-6C>T

Gene: ACSF3 (acyl-CoA synthetase family member 3; plus strand). Cytogenetic location: 16q24.3.
Variant type: single nucleotide variant.
Coding change: c.1367-6C>T on transcript NM_001243279.3 (MANE Select); 6 bases into the intron before coding-DNA position 1367, C replaced by T.
Molecular consequence: intron variant. On other transcripts: non-coding transcript variant (1).
Genome position (GRCh38, 1-based): chr16:89,145,261, C>T. VCF-style: chr16-89145261-C-T. GRCh37 (hg19) VCF-style: chr16-89211669-C-T.
Other names: c.1367-6C>T (NM_001127214.4, NM_174917.5); c.572-6C>T (NM_001284316.2).
Identifiers: ClinVar variation 382400 (VCV000382400.14), dbSNP rs113343336, ClinGen allele CA8238199.
Genomic context (GRCh38, chr16:89,145,261, plus strand): 5'-CCCTTTTCCTCAGGGGACACCGTGGTGTTTAAGGATGGCCAGTTAACCAGAGCCCCTTTT[C>T]CTCAGGGGACACCGTGGTGTTTAAGGATGGCCAGTACTGGATCCGAGGCCGGACCTCAGT-3'

ClinVar aggregate classification (germline): Benign. Review status: criteria provided, multiple submitters, no conflicts (2 of 4 stars). 4 submissions from 4 submitters: Benign (3). 1 of the submissions does not count toward it. Last evaluated 2026-01-31.

Conditions:
Combined malonic and methylmalonic acidemia. Identifiers: Orphanet 289504, MedGen C3280314, MONDO:0013661, OMIM 614265.

Allele frequency attached by ClinVar (database versions not stated): gnomAD exomes 0.00078 and 0.00195; ExAC 0.00249; gnomAD 0.00837 and 0.00901; 1000 Genomes Project 0.00859; 1000 Genomes Project 30x 0.00906; TOPMed 0.00919; ESP Exome Variant Server 0.00924.
gnomAD v4.1: 2,427 of 1,614,032 alleles (0.15%); highest among the groups gnomAD compares: African/African-American, 3%; 45 homozygotes.

Submissions (4):

Labcorp Genetics (formerly Invitae), Labcorp
Classification: Benign for Combined malonic and methylmalonic acidemia. Last evaluated: 2026-01-31. Review status: criteria provided, single submitter. Criteria: Invitae Variant Classification Sherloc (09022015). Collection method: clinical testing. Allele origin: germline.

GeneDx
Classification: Benign. Last evaluated: 2016-02-22. Review status: criteria provided, single submitter. Criteria: GeneDx Variant Classification (06012015). Collection method: clinical testing. Allele origin: germline. Affected: yes.
Comment: This variant is considered likely benign or benign based on one or more of the following criteria: it is a conservative change, it occurs at a poorly conserved position in the protein, it is predicted to be benign by multiple in silico algorithms, and/or has population frequency not consistent with disease.

Breakthrough Genomics
Classification: Benign. Review status: criteria provided, single submitter. Criteria: ACMG Guidelines, 2015. Collection method: not provided. Allele origin: germline. Inheritance: Unknown mechanism. Affected: yes.

Natera, Inc.
Classification: Benign for Combined malonic and methylmalonic aciduria. Last evaluated: 2020-09-16. Review status: no assertion criteria provided. Collection method: clinical testing. Allele origin: germline. Not counted in ClinVar's aggregate classification.